The following is an entry in ClinVar:

NM_177438.3(DICER1):c.2131C>A (p.His711Asn)

Gene: DICER1 (dicer 1, ribonuclease III; minus strand). Cytogenetic location: 14q32.13.
Variant type: single nucleotide variant.
Coding change: c.2131C>A on transcript NM_177438.3 (MANE Select); coding-DNA position 2131, C replaced by A.
Protein change: p.His711Asn; replaces histidine 711 with asparagine.
Molecular consequence: missense variant. On other transcripts: non-coding transcript variant (6).
Genome position (GRCh38, 1-based): chr14:95,111,442, G>T on the plus strand (C>A on the coding strand, the complement: DICER1 is on the minus strand). VCF-style: chr14-95111442-G-T. GRCh37 (hg19) VCF-style: chr14-95577779-G-T.
Other names: c.2131C>A, p.His711Asn (NM_001195573.1, NM_001271282.3, NM_001291628.2 and 13 more transcripts); c.1849C>A, p.His617Asn (NM_001395686.1); c.1726C>A, p.His576Asn (NM_001395687.1, NM_001395688.1, NM_001395689.1 and 3 more transcripts); c.1564C>A, p.His522Asn (NM_001395691.1); c.448C>A, p.His150Asn (NM_001395697.1); short protein forms H150N, H522N, H576N, H617N, H711N.
Identifiers: ClinVar variation 1720904 (VCV001720904.7), dbSNP rs2542914093, ClinGen allele CA390882892.

ClinVar aggregate classification (germline): Uncertain significance. Review status: criteria provided, multiple submitters, no conflicts (2 of 4 stars). 2 submissions from 2 submitters: Uncertain significance (2). Last evaluated 2024-12-10.

Conditions:
Hereditary cancer-predisposing syndrome. Also called: Hereditary Cancer Syndrome; Hereditary neoplastic syndrome; Neoplastic Syndromes, Hereditary; Tumor predisposition. Identifiers: Orphanet 140162, MedGen C0027672, MeSH D009386, MONDO:0015356.
DICER1-related tumor predisposition. Also called: DICER1 syndrome; DICER1-related pleuropulmonary blastoma cancer predisposition syndrome. Identifiers: Orphanet 284343, MedGen C3839822, MONDO:0100216.

Submissions (2):

Ambry Genetics
Classification: Uncertain significance for Hereditary cancer-predisposing syndrome. Last evaluated: 2024-12-10. Review status: criteria provided, single submitter. Criteria: Ambry Variant Classification Scheme 2023. Collection method: clinical testing. Allele origin: germline.
Comment: The p.H711N variant (also known as c.2131C>A), located in coding exon 13 of the DICER1 gene, results from a C to A substitution at nucleotide position 2131. The histidine at codon 711 is replaced by asparagine, an amino acid with similar properties. This amino acid position is conserved. In addition, this alteration is predicted to be tolerated by in silico analysis. Based on the available evidence, the clinical significance of this variant remains unclear.

Labcorp Genetics (formerly Invitae), Labcorp
Classification: Uncertain significance for DICER1-related tumor predisposition. Last evaluated: 2024-04-15. Review status: criteria provided, single submitter. Criteria: Invitae Variant Classification Sherloc (09022015). Collection method: clinical testing. Allele origin: germline.
Comment: This sequence change replaces histidine, which is basic and polar, with asparagine, which is neutral and polar, at codon 711 of the DICER1 protein (p.His711Asn). This variant is not present in population databases (gnomAD no frequency). This variant has not been reported in the literature in individuals affected with DICER1-related conditions. ClinVar contains an entry for this variant (Variation ID: 1720904). Advanced modeling of protein sequence and biophysical properties (such as structural, functional, and spatial information, amino acid conservation, physicochemical variation, residue mobility, and thermodynamic stability) performed at Invitae indicates that this missense variant is not expected to disrupt DICER1 protein function with a negative predictive value of 80%. In summary, the available evidence is currently insufficient to determine the role of this variant in disease. Therefore, it has been classified as a Variant of Uncertain Significance.